The following is an entry in ClinVar:

NM_001042492.3(NF1):c.3449C>G (p.Ser1150Ter)

Gene: NF1 (neurofibromin 1; plus strand). Cytogenetic location: 17q11.2.
Variant type: single nucleotide variant.
Coding change: c.3449C>G on transcript NM_001042492.3 (MANE Select); coding-DNA position 3449, C replaced by G.
Protein change: p.Ser1150Ter; replaces serine 1150 with a stop codon.
Molecular consequence: nonsense.
Genome position (GRCh38, 1-based): chr17:31,232,834, C>G. VCF-style: chr17-31232834-C-G. GRCh37 (hg19) VCF-style: chr17-29559852-C-G.
Other names: c.3449C>G, p.Ser1150Ter (NM_000267.4); short protein forms S1150*.
Identifiers: ClinVar variation 432961 (VCV000432961.12), dbSNP rs1555614972, ClinGen allele CA398989316.

ClinVar aggregate classification (germline): Pathogenic. Review status: criteria provided, multiple submitters, no conflicts (2 of 4 stars). 6 submissions from 6 submitters: Pathogenic (6). Last evaluated 2026-10-06.

Conditions:
Neurofibromatosis, type 1 (NF1). Also called: VON RECKLINGHAUSEN DISEASE; Peripheral type neurofibromatosis; Neurofibromatosis, type I; NEUROFIBROMATOSIS, TYPE I, SOMATIC. Identifiers: Orphanet 636, MedGen C0027831, MONDO:0018975, OMIM 162200. Disease mechanism: loss of function.
NF1-related disorder. Also called: NF1-related condition. Identifiers: MedGen CN379171.
Hereditary cancer-predisposing syndrome. Also called: Neoplastic Syndromes, Hereditary; Hereditary Cancer Syndrome; Hereditary neoplastic syndrome; Tumor predisposition. Identifiers: Orphanet 140162, MedGen C0027672, MeSH D009386, MONDO:0015356.
Cardiovascular phenotype. Identifiers: MedGen CN230736.

Submissions (6):

NHS Central & South Genomic Laboratory Hub
Classification: Pathogenic for Neurofibromatosis type 1. Last evaluated: 2026-10-06. Review status: criteria provided, single submitter. Criteria: ACMG Guidelines, 2015. Collection method: clinical testing. Allele origin: germline. Affected: yes.

Ambry Genetics
Classification: Pathogenic for Cardiovascular phenotype; Hereditary cancer-predisposing syndrome. Last evaluated: 2024-02-12. Review status: criteria provided, single submitter. Criteria: Ambry Variant Classification Scheme 2023. Collection method: clinical testing. Allele origin: germline.
Comment: The p.S1150* pathogenic mutation (also known as c.3449C>G), located in coding exon 26 of the NF1 gene, results from a C to G substitution at nucleotide position 3449. This changes the amino acid from a serine to a stop codon within coding exon 26. This variant has been observed in at least one individual with a personal and/or family history that is consistent with Neurofibromatosis type 1 (NF1) (Ambry internal data). This variant is considered to be rare based on population cohorts in the Genome Aggregation Database (gnomAD). This alteration is expected to result in loss of function by premature protein truncation or nonsense-mediated mRNA decay. As such, this alteration is interpreted as a disease-causing mutation.

Blueprint Genetics
Classification: Pathogenic for NF1-related disorders. Last evaluated: 2023-08-09. Review status: criteria provided, single submitter. Criteria: ACMG Guidelines, 2015. Collection method: clinical testing. Allele origin: germline. Affected: yes. Observed: 1 variant allele.

Labcorp Genetics (formerly Invitae), Labcorp
Classification: Pathogenic for Neurofibromatosis, type 1. Last evaluated: 2023-06-30. Review status: criteria provided, single submitter. Criteria: Invitae Variant Classification Sherloc (09022015). Collection method: clinical testing. Allele origin: germline.
Comment: This sequence change creates a premature translational stop signal (p.Ser1150*) in the NF1 gene. It is expected to result in an absent or disrupted protein product. Loss-of-function variants in NF1 are known to be pathogenic (PMID: 10712197, 23913538). For these reasons, this variant has been classified as Pathogenic. ClinVar contains an entry for this variant (Variation ID: 432961). This premature translational stop signal has been observed in individual(s) with clinical features of NF1-related conditions (PMID: 21520333). This variant is not present in population databases (gnomAD no frequency).

Genome-Nilou Lab
Classification: Pathogenic for Neurofibromatosis, type 1. Last evaluated: 2022-03-15. Review status: criteria provided, single submitter. Criteria: ACMG Guidelines, 2015. Collection method: clinical testing. Allele origin: germline. Affected: no.

GeneDx
Classification: Pathogenic. Last evaluated: 2017-06-21. Review status: criteria provided, single submitter. Criteria: GeneDx Variant Classification (06012015). Collection method: clinical testing. Allele origin: germline. Affected: yes.
Comment: The S1150X nonsense variant in the NF1 gene is predicted to cause loss of normal protein function either through protein truncation or nonsense-mediated mRNA decay. The variant is not observed in large population cohorts (Lek et al., 2016; 1000 Genomes Consortium et al., 2015; Exome Variant Server). Although this variant has not been reported previously to our knowledge, we consider ti to be pathogenic.

Literature cited by the submitters: PubMed 10712197 (cited by Labcorp Genetics (formerly Invitae), Labcorp); PubMed 23913538 (cited by Labcorp Genetics (formerly Invitae), Labcorp); PubMed 21520333 (cited by Labcorp Genetics (formerly Invitae), Labcorp).